The following is an entry in ClinVar:

NM_006059.4(LAMC3):c.3948C>T (p.Ala1316=)

Gene: LAMC3 (laminin subunit gamma 3; plus strand). Cytogenetic location: 9q34.12.
Variant type: single nucleotide variant.
Coding change: c.3948C>T on transcript NM_006059.4 (MANE Select); coding-DNA position 3948, C replaced by T.
Protein change: p.Ala1316=; no amino-acid change (alanine 1316 retained).
Molecular consequence: synonymous variant.
Genome position (GRCh38, 1-based): chr9:131,082,079, C>T. VCF-style: chr9-131082079-C-T. GRCh37 (hg19) VCF-style: chr9-133957466-C-T.
Other names: c.3948C>T (NM_006059.3).
Identifiers: ClinVar variation 1650268 (VCV001650268.10), dbSNP rs780247167, ClinGen allele CA5287998.

ClinVar aggregate classification (germline): Likely benign. Review status: criteria provided, single submitter (1 of 4 stars). 2 submissions from 2 submitters: Likely benign (1). 1 of the submissions does not count toward it. Last evaluated 2025-10-16.

Conditions:
LAMC3-related disorder. Also called: LAMC3-related condition.

Allele frequency attached by ClinVar (database versions not stated): gnomAD exomes 0.00001 and 0.00003; TOPMed 0.00001; gnomAD 0.00002; ExAC 0.00003.
gnomAD v4.1: 23 of 1,613,740 alleles (0.0014%); highest among the groups gnomAD compares: Admixed American, 0.0033%; no homozygotes.

Submissions (2):

Labcorp Genetics (formerly Invitae), Labcorp
Classification: Likely benign. Last evaluated: 2025-10-16. Review status: criteria provided, single submitter. Criteria: Invitae Variant Classification Sherloc (09022015). Collection method: clinical testing. Allele origin: germline.

PreventionGenetics, part of Exact Sciences
Classification: Likely benign for LAMC3-related condition. Last evaluated: 2022-07-14. Review status: no assertion criteria provided. Collection method: clinical testing. Allele origin: germline. Not counted in ClinVar's aggregate classification.
Comment: This variant is classified as likely benign based on ACMG/AMP sequence variant interpretation guidelines (Richards et al. 2015 PMID: 25741868, with internal and published modifications).